The following is an entry in ClinVar:

NM_020778.5(ALPK3):c.631G>T (p.Asp211Tyr)

Gene: ALPK3 (alpha kinase 3; plus strand). Cytogenetic location: 15q25.3.
Variant type: single nucleotide variant.
Coding change: c.631G>T on transcript NM_020778.5 (MANE Select); coding-DNA position 631, G replaced by T.
Protein change: p.Asp211Tyr; replaces aspartic acid 211 with tyrosine.
Molecular consequence: missense variant.
Genome position (GRCh38, 1-based): chr15:84,839,910, G>T. VCF-style: chr15-84839910-G-T. GRCh37 (hg19) VCF-style: chr15-85383141-G-T.
Other names: short protein forms D211Y.
Identifiers: ClinVar variation 3643888 (VCV003643888.2).

ClinVar aggregate classification (germline): Uncertain significance (1 of 4 stars; one submission).

Submission:

Labcorp Genetics (formerly Invitae), Labcorp
Classification: Uncertain significance. Last evaluated: 2024-08-19. Review status: criteria provided, single submitter. Criteria: Invitae Variant Classification Sherloc (09022015). Collection method: clinical testing. Allele origin: germline.
Comment: This sequence change replaces aspartic acid, which is acidic and polar, with tyrosine, which is neutral and polar, at codon 413 of the ALPK3 protein (p.Asp413Tyr). This variant is not present in population databases (gnomAD no frequency). This variant has not been reported in the literature in individuals affected with ALPK3-related conditions. An algorithm developed to predict the effect of missense changes on protein structure and function (PolyPhen-2) suggests that this variant is likely to be disruptive. In summary, the available evidence is currently insufficient to determine the role of this variant in disease. Therefore, it has been classified as a Variant of Uncertain Significance.